The following is an entry in ClinVar:

NM_003906.5(MCM3AP):c.3200C>T (p.Pro1067Leu)

Gene: MCM3AP (minichromosome maintenance complex component 3 associated protein; minus strand). Cytogenetic location: 21q22.3.
Variant type: single nucleotide variant.
Coding change: c.3200C>T on transcript NM_003906.5 (MANE Select); coding-DNA position 3200, C replaced by T.
Protein change: p.Pro1067Leu; replaces proline 1067 with leucine.
Molecular consequence: missense variant.
Genome position (GRCh38, 1-based): chr21:46,265,355, G>A on the plus strand (C>T on the coding strand, the complement: MCM3AP is on the minus strand). VCF-style: chr21-46265355-G-A. GRCh37 (hg19) VCF-style: chr21-47685269-G-A.
Other names: c.3200C>T (NM_003906.3); short protein forms P1067L.
Identifiers: ClinVar variation 1496556 (VCV001496556.7), dbSNP rs556096598, ClinGen allele CA10076597.

ClinVar aggregate classification (germline): Conflicting classifications of pathogenicity. Review status: criteria provided, conflicting classifications (1 of 4 stars). 2 submissions from 2 submitters: Uncertain significance (1); Likely benign (1). Last evaluated 2024-10-11.

Conditions:
Inborn genetic diseases. Identifiers: MedGen C0950123, MeSH D030342.

Allele frequency attached by ClinVar (database versions not stated): gnomAD 0.00002 and 0.00003; TOPMed 0.00002; gnomAD exomes 0.00004 and 0.00008; ExAC 0.00006; 1000 Genomes Project 30x 0.00016; 1000 Genomes Project 0.00020.
gnomAD v4.1: 122 of 1,613,980 alleles (0.0076%); highest among the groups gnomAD compares: Non-Finnish European, 0.0094%; no homozygotes.

Submissions (2):

Ambry Genetics
Classification: Likely benign for Inborn genetic diseases. Last evaluated: 2024-10-11. Review status: criteria provided, single submitter. Criteria: Ambry Variant Classification Scheme 2023. Collection method: clinical testing. Allele origin: germline.

Labcorp Genetics (formerly Invitae), Labcorp
Classification: Uncertain significance. Last evaluated: 2023-10-25. Review status: criteria provided, single submitter. Criteria: Invitae Variant Classification Sherloc (09022015). Collection method: clinical testing. Allele origin: germline.
Comment: This sequence change replaces proline, which is neutral and non-polar, with leucine, which is neutral and non-polar, at codon 1067 of the MCM3AP protein (p.Pro1067Leu). This variant is present in population databases (rs556096598, gnomAD 0.007%). This variant has not been reported in the literature in individuals affected with MCM3AP-related conditions. ClinVar contains an entry for this variant (Variation ID: 1496556). Algorithms developed to predict the effect of missense changes on protein structure and function output the following: SIFT: "Not Available"; PolyPhen-2: "Benign"; Align-GVGD: "Not Available". The leucine amino acid residue is found in multiple mammalian species, which suggests that this missense change does not adversely affect protein function. In summary, the available evidence is currently insufficient to determine the role of this variant in disease. Therefore, it has been classified as a Variant of Uncertain Significance.